The following is an entry in ClinVar:

ClinVar aggregate classification (germline): Uncertain significance. Review status: criteria provided, multiple submitters, no conflicts (2 of 4 stars). 2 submissions from 2 submitters: Uncertain significance (2). Last evaluated 2026-04-19.

Conditions:
Neuroblastoma, susceptibility to, 3. Also called: ALK-Related Neuroblastic Tumor Susceptibility. Identifiers: Orphanet 635, MedGen C2751681, MONDO:0013083, OMIM 613014.
Hereditary cancer-predisposing syndrome. Also called: Tumor predisposition; Neoplastic Syndromes, Hereditary; Hereditary Cancer Syndrome; Hereditary neoplastic syndrome. Identifiers: Orphanet 140162, MedGen C0027672, MeSH D009386, MONDO:0015356.

Submissions (2):

Ambry Genetics
Classification: Uncertain significance for Hereditary cancer-predisposing syndrome. Last evaluated: 2026-04-19. Review status: criteria provided, single submitter. Criteria: Ambry Variant Classification Scheme 2023. Collection method: clinical testing. Allele origin: germline.
Comment: The p.A421T variant (also known as c.1261G>A), located in coding exon 5 of the ALK gene, results from a G to A substitution at nucleotide position 1261. The alanine at codon 421 is replaced by threonine, an amino acid with similar properties. This amino acid position is conserved. In addition, this alteration is predicted to be tolerated by in silico analysis. Based on the available evidence, the clinical significance of this variant remains unclear.

Labcorp Genetics (formerly Invitae), Labcorp
Classification: Uncertain significance for Neuroblastoma, susceptibility to, 3. Last evaluated: 2021-10-16. Review status: criteria provided, single submitter. Criteria: Invitae Variant Classification Sherloc (09022015). Collection method: clinical testing. Allele origin: germline.
Comment: In summary, the available evidence is currently insufficient to determine the role of this variant in disease. Therefore, it has been classified as a Variant of Uncertain Significance. Algorithms developed to predict the effect of missense changes on protein structure and function are either unavailable or do not agree on the potential impact of this missense change (SIFT: "Deleterious"; PolyPhen-2: "Probably Damaging"; Align-GVGD: "Class C0"). This variant has not been reported in the literature in individuals affected with ALK-related conditions. This variant is not present in population databases (ExAC no frequency). This sequence change replaces alanine with threonine at codon 421 of the ALK protein (p.Ala421Thr). The alanine residue is moderately conserved and there is a small physicochemical difference between alanine and threonine.

NM_004304.5(ALK):c.1261G>A (p.Ala421Thr)

Gene: ALK (ALK receptor tyrosine kinase; minus strand). Cytogenetic location: 2p23.2.
Variant type: single nucleotide variant.
Coding change: c.1261G>A on transcript NM_004304.5 (MANE Select); coding-DNA position 1261, G replaced by A.
Protein change: p.Ala421Thr; replaces alanine 421 with threonine.
Molecular consequence: missense variant.
Genome position (GRCh38, 1-based): chr2:29,383,753, C>T on the plus strand (G>A on the coding strand, the complement: ALK is on the minus strand). VCF-style: chr2-29383753-C-T. GRCh37 (hg19) VCF-style: chr2-29606619-C-T.
Other names: c.1261G>A (NM_004304.4); short protein forms A421T.
Identifiers: ClinVar variation 1511817 (VCV001511817.7), dbSNP rs2148301460, ClinGen allele CA346585089.